The following is an entry in ClinVar:

ClinVar aggregate classification (germline): Uncertain significance (1 of 4 stars; one submission).

Allele frequency attached by ClinVar (database versions not stated): TOPMed below 0.00001; ESP Exome Variant Server 0.00008.

Submission:

Labcorp Genetics (formerly Invitae), Labcorp
Classification: Uncertain significance. Last evaluated: 2022-04-01. Review status: criteria provided, single submitter. Criteria: Invitae Variant Classification Sherloc (09022015). Collection method: clinical testing. Allele origin: germline.
Comment: In summary, the available evidence is currently insufficient to determine the role of this variant in disease. Therefore, it has been classified as a Variant of Uncertain Significance. Algorithms developed to predict the effect of missense changes on protein structure and function are either unavailable or do not agree on the potential impact of this missense change (SIFT: "Deleterious"; PolyPhen-2: "Probably Damaging"; Align-GVGD: "Class C0"). This variant has not been reported in the literature in individuals affected with FLVCR1-related conditions. This variant is not present in population databases (gnomAD no frequency). This sequence change replaces threonine, which is neutral and polar, with proline, which is neutral and non-polar, at codon 478 of the FLVCR1 protein (p.Thr478Pro).

NM_014053.4(FLVCR1):c.1432A>C (p.Thr478Pro)

Gene: FLVCR1 (FLVCR choline and heme transporter 1; plus strand). Cytogenetic location: 1q32.3.
Variant type: single nucleotide variant.
Coding change: c.1432A>C on transcript NM_014053.4 (MANE Select); coding-DNA position 1432, A replaced by C.
Protein change: p.Thr478Pro; replaces threonine 478 with proline.
Molecular consequence: missense variant.
Genome position (GRCh38, 1-based): chr1:212,889,164, A>C. VCF-style: chr1-212889164-A-C. GRCh37 (hg19) VCF-style: chr1-213062506-A-C.
Other names: short protein forms T478P.
Identifiers: ClinVar variation 2070932 (VCV002070932.4), dbSNP rs150151318, ClinGen allele CA36894414.